The following is an entry in ClinVar:

NM_004320.6(ATP2A1):c.4G>A (p.Glu2Lys)

Gene: ATP2A1 (ATPase sarcoplasmic/endoplasmic reticulum Ca2+ transporting 1; plus strand). Cytogenetic location: 16p11.2.
Variant type: single nucleotide variant.
Coding change: c.4G>A on transcript NM_004320.6 (MANE Select); coding-DNA position 4, G replaced by A.
Protein change: p.Glu2Lys; replaces glutamic acid 2 with lysine.
Molecular consequence: missense variant.
Genome position (GRCh38, 1-based): chr16:28,878,675, G>A. VCF-style: chr16-28878675-G-A. GRCh37 (hg19) VCF-style: chr16-28889996-G-A.
Other names: c.4G>A, p.Glu2Lys (NM_173201.5); short protein forms E2K.
Identifiers: ClinVar variation 1935048 (VCV001935048.5), dbSNP rs1294417936, ClinGen allele CA395399229.

ClinVar aggregate classification (germline): Uncertain significance (1 of 4 stars; one submission).

Conditions:
Brody myopathy. Also called: BRODY DISEASE. Identifiers: Orphanet 53347, MedGen C1832918, MONDO:0010977, OMIM 601003.

Submission:

Labcorp Genetics (formerly Invitae), Labcorp
Classification: Uncertain significance for Brody myopathy. Last evaluated: 2022-05-24. Review status: criteria provided, single submitter. Criteria: Invitae Variant Classification Sherloc (09022015). Collection method: clinical testing. Allele origin: germline.
Comment: In summary, the available evidence is currently insufficient to determine the role of this variant in disease. Therefore, it has been classified as a Variant of Uncertain Significance. Algorithms developed to predict the effect of missense changes on protein structure and function are either unavailable or do not agree on the potential impact of this missense change (SIFT: "Deleterious"; PolyPhen-2: "Probably Damaging"; Align-GVGD: "Class C0"). This variant has not been reported in the literature in individuals affected with ATP2A1-related conditions. This variant is not present in population databases (gnomAD no frequency). This sequence change replaces glutamic acid, which is acidic and polar, with lysine, which is basic and polar, at codon 2 of the ATP2A1 protein (p.Glu2Lys).